The following is an entry in ClinVar:

ClinVar aggregate classification (germline): Likely benign. Review status: criteria provided, multiple submitters, no conflicts (2 of 4 stars). 2 submissions from 2 submitters: Likely benign (2). Last evaluated 2025-07-29.

Allele frequency attached by ClinVar (database versions not stated): gnomAD 0.00001; gnomAD exomes 0.00002; TOPMed 0.00002.
gnomAD v4.1: 39 of 1,531,166 alleles (0.0025%); highest among the groups gnomAD compares: Non-Finnish European, 0.0034%; no homozygotes.

Submissions (2):

Labcorp Genetics (formerly Invitae), Labcorp
Classification: Likely benign. Last evaluated: 2025-07-29. Review status: criteria provided, single submitter. Criteria: Invitae Variant Classification Sherloc (09022015). Collection method: clinical testing. Allele origin: germline.

CeGaT Center for Human Genetics Tuebingen
Classification: Likely benign. Last evaluated: 2024-01-01. Review status: criteria provided, single submitter. Criteria: CeGaT Center For Human Genetics Tuebingen Variant Classification Criteria Version 2. Collection method: clinical testing. Allele origin: germline. Affected: yes. Observed: 1 variant allele.
Comment: NEFH: BP4, BP7

NM_021076.4(NEFH):c.84A>G (p.Leu28=)

Gene: NEFH (neurofilament heavy chain; plus strand). Cytogenetic location: 22q12.2.
Variant type: single nucleotide variant.
Coding change: c.84A>G on transcript NM_021076.4 (MANE Select); coding-DNA position 84, A replaced by G.
Protein change: p.Leu28=; no amino-acid change (leucine 28 retained).
Molecular consequence: synonymous variant.
Genome position (GRCh38, 1-based): chr22:29,480,346, A>G. VCF-style: chr22-29480346-A-G. GRCh37 (hg19) VCF-style: chr22-29876335-A-G.
Identifiers: ClinVar variation 1638780 (VCV001638780.30), dbSNP rs765594739, ClinGen allele CA10173964.